The following is an entry in ClinVar:

ClinVar aggregate classification (germline): drug response. Review status: reviewed by expert panel (3 of 4 stars). 9 submissions from 4 submitters: drug response (4). 5 of the submissions do not count toward it. Last evaluated 2021-06-15.

Conditions:
Auditory neuropathy. Identifiers: MedGen C1852271, MONDO:0021944.
Mitochondrial non-syndromic sensorineural hearing loss. Also called: Nonsyndromic Hearing Loss and Deafness, Mitochondrial. Identifiers: Orphanet 90641, MedGen C3151897, MONDO:0010779, OMIM 500008.
Aminoglycoside-induced deafness. Also called: STREPTOMYCIN OTOTOXICITY; MT-RNR1-Related Hearing Loss and Deafness; DEAFNESS, STREPTOMYCIN-INDUCED. Identifiers: Orphanet 168609, MedGen C1838854, MONDO:0010799, OMIM 580000.
kanamycin response - Toxicity.
streptomycin response - Toxicity.
gentamicin response - Toxicity.
aminoglycoside antibacterials response - Toxicity.

Submissions (9):

ClinPGx
Classification: drug response for aminoglycoside antibacterials response - Toxicity. Last evaluated: 2021-06-15. Review status: reviewed by expert panel. Criteria: Pharmacogenomics knowledge for personalized medicine. Collection method: curation. Allele origin: germline. Affected: yes.
Comment: PharmGKB Level of Evidence 1A: Level 1A clinical annotations describe variant-drug combinations that have variant-specific prescribing guidance available in a current clinical guideline annotation or an FDA-approved drug label annotation. Annotations of drug labels or clinical guidelines must give prescribing guidance for specific variants (e.g. CYP2C9*3, HLA-B*57:01) or provide mapping from defined allele functions to diplotypes and phenotypes to be used as supporting evidence for a level 1A clinical annotation. Level 1A clinical annotations must also be supported by at least one publication in addition to a clinical guideline or drug label with variant-specific prescribing guidance.

Drug is not necessarily used to treat response condition

ClinPGx
Classification: drug response for gentamicin response - Toxicity. Last evaluated: 2021-06-15. Review status: reviewed by expert panel. Criteria: Pharmacogenomics knowledge for personalized medicine. Collection method: curation. Allele origin: germline. Affected: yes.
Comment: the same text as in the submission from ClinPGx above.

ClinPGx
Classification: drug response for kanamycin response - Toxicity. Last evaluated: 2021-06-15. Review status: reviewed by expert panel. Criteria: Pharmacogenomics knowledge for personalized medicine. Collection method: curation. Allele origin: germline. Affected: yes.
Comment: the same text as in the submission from ClinPGx above.

ClinPGx
Classification: drug response for streptomycin response - Toxicity. Last evaluated: 2021-06-15. Review status: reviewed by expert panel. Criteria: Pharmacogenomics knowledge for personalized medicine. Collection method: curation. Allele origin: germline. Affected: yes.
Comment: the same text as in the submission from ClinPGx above.

Clinical Genetics Laboratory, Skane University Hospital Lund
Classification: Likely pathogenic. Last evaluated: 2023-02-23. Review status: criteria provided, single submitter. Criteria: ACMG Guidelines, 2015. Collection method: clinical testing. Allele origin: germline. Affected: yes. Not counted in ClinVar's aggregate classification.

Laboratory for Molecular Medicine, Mass General Brigham Personalized Medicine
Classification: Uncertain significance. Last evaluated: 2019-02-04. Review status: criteria provided, single submitter. Criteria: LMM Criteria. Collection method: clinical testing. Allele origin: germline. Observed: 5 variant alleles. Not counted in ClinVar's aggregate classification.
Comment: The m.1095T>C variant has been reported in 24/2455 individuals with hearing loss, with and without aminoglycoside exposure (Thyagarajan 2000, Tessa 2001, Zhao 2004, Wang 2005, Li 2005, Dai 2006, Lu 2010, Shen 2001). In one Italian family with Parkinsonism, deafness and neuropathy, the variant segregated with hearing loss in at least two additional maternally related family members (Thyagaragan 2000), while in another family the variant segregated with nonsyndromic hearing loss in 4 family members (Tessa 2001), though alternate dominant inheritance cannot be ruled out. In addition, two functional studies show that the m.1095T>C variant impacts function (Thyagarajan 2000, Muderman 2012). Furthermore, a meta-analysis from several studies of mitochondrial hearing loss variants detected in hearing loss cohorts suggests that the m.1095T>C variant has a significant association with hearing loss when aminoglycoside exposure was assessed. However, this variant is reported in 0.12% (58/47,412) individuals in a broad population database, and was a defining variant of the M11 haplogroup where it is present in 100% of individuals of that haplogroup (Tanaka 2004, Yao 2006). In summary, there is some evidence suggesting that the m.1095T>C variant may be associated with hearing loss, particularly with aminoglycoside exposure, however because of its frequency in the general population and the M11 haplogroup, the clinical significance of this variant is uncertain. ACMG/AMP criteria applied: PS4_Moderate, PP1, PS3_Supporting, BS1_Supporting.

OMIM
Classification: Pathogenic for DEAFNESS, AMINOGLYCOSIDE-INDUCED. Last evaluated: 2008-12-26. Review status: no assertion criteria provided. Collection method: literature only. Allele origin: germline. Not counted in ClinVar's aggregate classification.

OMIM
Classification: Pathogenic for DEAFNESS, NONSYNDROMIC SENSORINEURAL, MITOCHONDRIAL. Last evaluated: 2008-12-26. Review status: no assertion criteria provided. Collection method: literature only. Allele origin: germline. Not counted in ClinVar's aggregate classification.

OMIM
Classification: Pathogenic for AUDITORY NEUROPATHY. Last evaluated: 2008-12-26. Review status: no assertion criteria provided. Collection method: literature only. Allele origin: germline. Not counted in ClinVar's aggregate classification.

Literature cited by the submitters: PubMed 11313749 (cited by 3 submitters); PubMed 21205314 (cited by ClinPGx and Laboratory for Molecular Medicine, Mass General Brigham Personalized Medicine); PubMed 25515069 (cited by ClinPGx and Laboratory for Molecular Medicine, Mass General Brigham Personalized Medicine); PubMed 15555598 (cited by 3 submitters); PubMed 15841390 (cited by ClinPGx and Laboratory for Molecular Medicine, Mass General Brigham Personalized Medicine); PubMed 16875663 (cited by ClinPGx and Laboratory for Molecular Medicine, Mass General Brigham Personalized Medicine); PubMed 11079536 (cited by 3 submitters); PubMed 15637703 (cited by Laboratory for Molecular Medicine, Mass General Brigham Personalized Medicine and OMIM); PubMed 16528519 (cited by Laboratory for Molecular Medicine, Mass General Brigham Personalized Medicine and OMIM); PubMed 18636170 (cited by Laboratory for Molecular Medicine, Mass General Brigham Personalized Medicine); PubMed 18830133 (cited by Laboratory for Molecular Medicine, Mass General Brigham Personalized Medicine); PubMed 18983818 (cited by Laboratory for Molecular Medicine, Mass General Brigham Personalized Medicine and OMIM); PubMed 20100600 (cited by Laboratory for Molecular Medicine, Mass General Brigham Personalized Medicine); PubMed 21495045 (cited by Laboratory for Molecular Medicine, Mass General Brigham Personalized Medicine); PubMed 22735573 (cited by Laboratory for Molecular Medicine, Mass General Brigham Personalized Medicine); PubMed 27654872 (cited by Laboratory for Molecular Medicine, Mass General Brigham Personalized Medicine); PubMed 15466285 (cited by Laboratory for Molecular Medicine, Mass General Brigham Personalized Medicine).

NC_012920.1(MT-RNR1):m.1095T>C

Gene: MT-RNR1 (mitochondrially encoded 12S RNA; plus strand).
Variant type: single nucleotide variant.
Genome position: chrM-1095-T-C.
Other names: 1095T-C.
Identifiers: ClinVar variation 9631 (VCV000009631.9), dbSNP rs267606618, ClinGen allele CA120591.
Genomic context (GRCh38, chrMT:1,095, plus strand): 5'-TAACATATCTGAACACACAATAGCTAAGACCCAAACTGGGATTAGATACCCCACTATGCT[T>C]AGCCCTAAACCTCAACAGTTAAATCAACAAAACTGCTCGCCAGAACACTACGAGCCACAG-3'